The following is an entry in ClinVar:

NM_001430.5(EPAS1):c.2411A>T (p.Tyr804Phe)

Gene: EPAS1 (endothelial PAS domain protein 1; plus strand). Cytogenetic location: 2p21.
Variant type: single nucleotide variant.
Coding change: c.2411A>T on transcript NM_001430.5 (MANE Select); coding-DNA position 2411, A replaced by T.
Protein change: p.Tyr804Phe; replaces tyrosine 804 with phenylalanine.
Molecular consequence: missense variant.
Genome position (GRCh38, 1-based): chr2:46,382,548, A>T. VCF-style: chr2-46382548-A-T. GRCh37 (hg19) VCF-style: chr2-46609687-A-T.
Other names: short protein forms Y804F.
Identifiers: ClinVar variation 1790895 (VCV001790895.2), dbSNP rs779874445, ClinGen allele CA1645343.
Genomic context (GRCh38, chr2:46,382,548, plus strand): 5'-AGCCTCCATCTGCCATCAGTCCCGGGGAGAACAGCAAGAGCAGGTTCCCCCCACAGTGCT[A>T]CGCCACCCAGTACCAGGACTACAGCCTGTCGTCAGCCCACAAGGTGTCAGGTGGGTGTGC-3'
Protein context (NP_001421.2, residues 794-814): NSKSRFPPQC[Tyr804Phe]ATQYQDYSLS

ClinVar aggregate classification (germline): Uncertain significance (1 of 4 stars; one submission).

Conditions:
Inborn genetic diseases. Identifiers: MedGen C0950123, MeSH D030342.

Allele frequency attached by ClinVar (database versions not stated): ExAC 0.00001.
gnomAD v4.1: 3 of 1,614,108 alleles (0.00019%); highest among the groups gnomAD compares: East Asian, 0.0067%; no homozygotes.

Submission:

Ambry Genetics
Classification: Uncertain significance for Inborn genetic diseases. Last evaluated: 2021-12-01. Review status: criteria provided, single submitter. Criteria: Ambry Variant Classification Scheme 2023. Collection method: clinical testing. Allele origin: germline.
Comment: The p.Y804F variant (also known as c.2411A>T), located in coding exon 15 of the EPAS1 gene, results from an A to T substitution at nucleotide position 2411. The tyrosine at codon 804 is replaced by phenylalanine, an amino acid with highly similar properties. This amino acid position is conserved. In addition, this alteration is predicted to be tolerated by in silico analysis. Since supporting evidence is limited at this time, the clinical significance of this alteration remains unclear.